The following is an entry in ClinVar:

NM_000540.3(RYR1):c.8254G>T (p.Asp2752Tyr)

Gene: RYR1 (ryanodine receptor 1; plus strand). Cytogenetic location: 19q13.2.
Variant type: single nucleotide variant.
Coding change: c.8254G>T on transcript NM_000540.3 (MANE Select); coding-DNA position 8254, G replaced by T.
Protein change: p.Asp2752Tyr; replaces aspartic acid 2752 with tyrosine.
Molecular consequence: missense variant.
Genome position (GRCh38, 1-based): chr19:38,505,025, G>T. VCF-style: chr19-38505025-G-T. GRCh37 (hg19) VCF-style: chr19-38995665-G-T.
Other names: c.8254G>T, p.Asp2752Tyr (NM_001042723.2); short protein forms D2752Y.
Identifiers: ClinVar variation 947374 (VCV000947374.8), dbSNP rs768299986, ClinGen allele CA071732.

ClinVar aggregate classification (germline): Uncertain significance. Review status: criteria provided, multiple submitters, no conflicts (2 of 4 stars). 2 submissions from 2 submitters: Uncertain significance (2). Last evaluated 2024-11-03.

Conditions:
Malignant hyperthermia, susceptibility to, 1 (MHS1). Also called: RYR1-Related Malignant Hyperthermia Susceptibility; Anesthesia related hyperthermia; Malignant hyperpyrexia; Fulminating hyperpyrexia; Pharmacogenic myopathy; Malignant hyperthermia suceptibility 1. Identifiers: Orphanet 423, MedGen C2930980, MONDO:0007783, OMIM 145600.
RYR1-related disorder. Also called: RYR1-related condition; RYR1-related disorders. Identifiers: MedGen CN239331.

Allele frequency attached by ClinVar (database versions not stated): gnomAD exomes 0.00002 and below 0.00001; ExAC 0.00002; gnomAD 0.00001; TOPMed 0.00002.
gnomAD v4.1: 5 of 1,614,140 alleles (0.00031%); highest among the groups gnomAD compares: East Asian, 0.011%; no homozygotes.

Submissions (2):

Labcorp Genetics (formerly Invitae), Labcorp
Classification: Uncertain significance for RYR1-related disorder. Last evaluated: 2024-11-03. Review status: criteria provided, single submitter. Criteria: Invitae Variant Classification Sherloc (09022015). Collection method: clinical testing. Allele origin: germline.
Comment: This sequence change replaces aspartic acid, which is acidic and polar, with tyrosine, which is neutral and polar, at codon 2752 of the RYR1 protein (p.Asp2752Tyr). This variant is present in population databases (rs768299986, gnomAD 0.02%). This variant has not been reported in the literature in individuals affected with RYR1-related conditions. ClinVar contains an entry for this variant (Variation ID: 947374). Invitae Evidence Modeling of protein sequence and biophysical properties (such as structural, functional, and spatial information, amino acid conservation, physicochemical variation, residue mobility, and thermodynamic stability) indicates that this missense variant is not expected to disrupt RYR1 protein function with a negative predictive value of 80%. In summary, the available evidence is currently insufficient to determine the role of this variant in disease. Therefore, it has been classified as a Variant of Uncertain Significance.

Genetics and Molecular Pathology, SA Pathology
Classification: Uncertain significance for Malignant hyperthermia, susceptibility to, 1. Last evaluated: 2022-01-25. Review status: criteria provided, single submitter. Criteria: ACMG Guidelines, 2015. Collection method: clinical testing. Allele origin: germline. Inheritance: Autosomal dominant inheritance. Affected: yes.